The following is an entry in ClinVar:

NM_183075.3(CYP2U1):c.895A>T (p.Lys299Ter)

Genes: CYP2U1 (cytochrome P450 family 2 subfamily U member 1; plus strand), CYP2U1-AS1 (CYP2U1 and SGMS2 antisense RNA 1; minus strand). Cytogenetic location: 4q25.
Variant type: single nucleotide variant.
Coding change: c.895A>T on transcript NM_183075.3 (MANE Select); coding-DNA position 895, A replaced by T.
Protein change: p.Lys299Ter; replaces lysine 299 with a stop codon.
Molecular consequence: nonsense.
Genome position (GRCh38, 1-based): chr4:107,945,374, A>T. VCF-style: chr4-107945374-A-T. GRCh37 (hg19) VCF-style: chr4-108866530-A-T.
Other names: short protein forms K299*.
Identifiers: ClinVar variation 620256 (VCV000620256.1), dbSNP rs1560701200, ClinGen allele CA357837456.

ClinVar aggregate classification (germline): Pathogenic/Likely pathogenic. Review status: criteria provided, multiple submitters, no conflicts (2 of 4 stars). 2 submissions from 2 submitters: Pathogenic (1); Likely pathogenic (1). Last evaluated 2025-06-04.

Conditions:
Hereditary spastic paraplegia 56. Also called: SPASTIC PARAPLEGIA 56, AUTOSOMAL RECESSIVE, WITH OR WITHOUT PSEUDOXANTHOMA ELASTICUM; Spastic Paraplegia 56; Spastic paraplegia 56, autosomal recessive. Identifiers: Orphanet 320411, MedGen C3539507, MONDO:0014015, OMIM 615030.

gnomAD v4.1: 1 of 1,614,088 alleles (0.000062%); no homozygotes.

Submissions (2):

Institute of Medical Genetics and Applied Genomics, University Hospital Tübingen
Classification: Pathogenic for Hereditary spastic paraplegia 56. Last evaluated: 2025-06-04. Review status: criteria provided, single submitter. Criteria: ACMG Guidelines, 2015. Collection method: clinical testing. Allele origin: germline. Inheritance: Autosomal recessive inheritance. Affected: yes.

GeneDx
Classification: Likely pathogenic. Last evaluated: 2018-06-22. Review status: criteria provided, single submitter. Criteria: GeneDx Variant Classification (06012015). Collection method: clinical testing. Allele origin: germline. Affected: yes.
Comment: The K299X variant in the CYP2U1 gene has not been reported previously as a pathogenic variant nor as a benign variant, to our knowledge. This variant is predicted to cause loss of normal protein function either through protein truncation or nonsense-mediated mRNA decay. The K299X variant is not observed in large population cohorts (Lek et al., 2016). We interpret K299X as a likely pathogenic variant.